The following is an entry in ClinVar:

ClinVar aggregate classification (germline): Uncertain significance. Review status: criteria provided, multiple submitters, no conflicts (2 of 4 stars). 2 submissions from 2 submitters: Uncertain significance (2). Last evaluated 2025-09-27.

Conditions:
Retinoblastoma (RB1). Also called: RETINOBLASTOMA, SOMATIC. Identifiers: Orphanet 790, MedGen C0035335, MeSH D012175, MONDO:0008380, OMIM 180200, HP:0009919. Disease mechanism: loss of function. Inheritance: Both sporadic and heritable forms are tested..
Hereditary cancer-predisposing syndrome. Also called: Hereditary neoplastic syndrome; Neoplastic Syndromes, Hereditary; Hereditary Cancer Syndrome; Tumor predisposition. Identifiers: Orphanet 140162, MedGen C0027672, MeSH D009386, MONDO:0015356.

gnomAD v4.1: 3 of 1,612,796 alleles (0.00019%); highest among the groups gnomAD compares: Non-Finnish European, 0.00025%; no homozygotes.

Submissions (2):

Ambry Genetics
Classification: Uncertain significance for Hereditary cancer-predisposing syndrome. Last evaluated: 2025-09-27. Review status: criteria provided, single submitter. Criteria: Ambry Variant Classification Scheme 2023. Collection method: clinical testing. Allele origin: germline.
Comment: The p.D156G variant (also known as c.467A>G), located in coding exon 4 of the RB1 gene, results from an A to G substitution at nucleotide position 467. The aspartic acid at codon 156 is replaced by glycine, an amino acid with similar properties. This amino acid position is conserved. In addition, this alteration is predicted to be tolerated by in silico analysis. Based on the available evidence, the clinical significance of this variant remains unclear.

Labcorp Genetics (formerly Invitae), Labcorp
Classification: Uncertain significance for Retinoblastoma. Last evaluated: 2025-08-06. Review status: criteria provided, single submitter. Criteria: Invitae Variant Classification Sherloc (09022015). Collection method: clinical testing. Allele origin: germline.
Comment: This sequence change replaces aspartic acid, which is acidic and polar, with glycine, which is neutral and non-polar, at codon 156 of the RB1 protein (p.Asp156Gly). This variant is not present in population databases (gnomAD no frequency). This variant has not been reported in the literature in individuals affected with RB1-related conditions. ClinVar contains an entry for this variant (Variation ID: 3709984). Invitae Evidence Modeling of protein sequence and biophysical properties (such as structural, functional, and spatial information, amino acid conservation, physicochemical variation, residue mobility, and thermodynamic stability) indicates that this missense variant is not expected to disrupt RB1 protein function with a negative predictive value of 80%. In summary, the available evidence is currently insufficient to determine the role of this variant in disease. Therefore, it has been classified as a Variant of Uncertain Significance.

NM_000321.3(RB1):c.467A>G (p.Asp156Gly)

Gene: RB1 (RB transcriptional corepressor 1; plus strand). Cytogenetic location: 13q14.2.
Variant type: single nucleotide variant.
Coding change: c.467A>G on transcript NM_000321.3 (MANE Select); coding-DNA position 467, A replaced by G.
Protein change: p.Asp156Gly; replaces aspartic acid 156 with glycine.
Molecular consequence: missense variant.
Genome position (GRCh38, 1-based): chr13:48,345,166, A>G. VCF-style: chr13-48345166-A-G. GRCh37 (hg19) VCF-style: chr13-48919302-A-G.
Other names: c.467A>G, p.Asp156Gly (NM_001407165.1, NM_001407166.1); short protein forms D156G.
Identifiers: ClinVar variation 3709984 (VCV003709984.3).